The following is an entry in ClinVar:

NM_007315.4(STAT1):c.629G>A (p.Arg210Lys)

Gene: STAT1 (signal transducer and activator of transcription 1; minus strand). Cytogenetic location: 2q32.2.
Variant type: single nucleotide variant.
Coding change: c.629G>A on transcript NM_007315.4 (MANE Select); coding-DNA position 629, G replaced by A.
Protein change: p.Arg210Lys; replaces arginine 210 with lysine.
Molecular consequence: missense variant. On other transcripts: intron variant (1).
Genome position (GRCh38, 1-based): chr2:190,998,221, C>T on the plus strand (G>A on the coding strand, the complement: STAT1 is on the minus strand). VCF-style: chr2-190998221-C-T. GRCh37 (hg19) VCF-style: chr2-191862947-C-T.
Other names: c.629G>A, p.Arg210Lys (NM_001384880.1, NM_001384882.1, NM_001384885.1 and 5 more transcripts); c.635G>A, p.Arg212Lys (NM_001384881.1, NM_001384884.1); c.539G>A, p.Arg180Lys (NM_001384890.1); c.665G>A, p.Arg222Lys (NM_001384891.1); c.535-214G>A (NM_001384883.1); short protein forms R210K, R180K, R212K, R222K.
Identifiers: ClinVar variation 859053 (VCV000859053.9), dbSNP rs1693996119, ClinGen allele CA349924103.

ClinVar aggregate classification (germline): Conflicting classifications of pathogenicity. Review status: criteria provided, conflicting classifications (1 of 4 stars). 2 submissions from 2 submitters: Likely pathogenic (1); Uncertain significance (1). Last evaluated 2022-12-30.

Conditions:
Immunodeficiency 31B. Also called: STAT1 DEFICIENCY, AUTOSOMAL RECESSIVE; IMMUNODEFICIENCY 31B, MYCOBACTERIAL AND VIRAL INFECTIONS, AUTOSOMAL RECESSIVE. Identifiers: Orphanet 391311, MedGen C3151088, MONDO:0013427, OMIM 613796.
Autoimmune enteropathy and endocrinopathy - susceptibility to chronic infections syndrome. Also called: Immunodeficiency 31C, autosomal dominant; Immunodeficiency 31C. Identifiers: Orphanet 391487, MedGen C3279990, MONDO:0013599, OMIM 614162.
Mendelian susceptibility to mycobacterial diseases due to partial STAT1 deficiency. Also called: IMMUNODEFICIENCY 31A, MYCOBACTERIOSIS, AUTOSOMAL DOMINANT; STAT1 DEFICIENCY, AUTOSOMAL DOMINANT; Immunodeficiency 31a. Identifiers: Orphanet 319595, MedGen C4013950, MONDO:0013956, OMIM 614892.

Submissions (2):

GeneDx
Classification: Likely pathogenic. Last evaluated: 2022-12-30. Review status: criteria provided, single submitter. Criteria: GeneDx Variant Classification Process June 2021. Collection method: clinical testing. Allele origin: germline. Affected: yes.
Comment: Not observed at significant frequency in large population cohorts (gnomAD); In silico analysis supports that this missense variant does not alter protein structure/function; This variant is associated with the following publications: (PMID: 26621323)

Labcorp Genetics (formerly Invitae), Labcorp
Classification: Uncertain significance for Mendelian susceptibility to mycobacterial diseases due to partial STAT1 deficiency; Immunodeficiency 31B; Autoimmune enteropathy and endocrinopathy - susceptibility to chronic infections syndrome. Last evaluated: 2021-04-06. Review status: criteria provided, single submitter. Criteria: Invitae Variant Classification Sherloc (09022015). Collection method: clinical testing. Allele origin: germline.
Comment: This sequence change replaces arginine with lysine at codon 210 of the STAT1 protein (p.Arg210Lys). The arginine residue is highly conserved and there is a small physicochemical difference between arginine and lysine. This variant is not present in population databases (ExAC no frequency). This variant has been observed in an individual with chronic mucocutaneous candidiasis (PMID: 26621323). Algorithms developed to predict the effect of missense changes on protein structure and function are either unavailable or do not agree on the potential impact of this missense change (SIFT: "Tolerated"; PolyPhen-2: "Probably Damaging"; Align-GVGD: "Class C0"). In summary, the available evidence is currently insufficient to determine the role of this variant in disease. Therefore, it has been classified as a Variant of Uncertain Significance.

Literature cited by the submitters: PubMed 26621323 (cited by Labcorp Genetics (formerly Invitae), Labcorp).